The following is an entry in ClinVar:

NM_004795.4(KL):c.2650G>A (p.Asp884Asn)

Gene: KL (klotho; plus strand). Cytogenetic location: 13q13.1.
Variant type: single nucleotide variant.
Coding change: c.2650G>A on transcript NM_004795.4 (MANE Select); coding-DNA position 2650, G replaced by A.
Protein change: p.Asp884Asn; replaces aspartic acid 884 with asparagine.
Molecular consequence: missense variant.
Genome position (GRCh38, 1-based): chr13:33,061,729, G>A. VCF-style: chr13-33061729-G-A. GRCh37 (hg19) VCF-style: chr13-33635866-G-A.
Other names: short protein forms D884N.
Identifiers: ClinVar variation 3715539 (VCV003715539.2).

ClinVar aggregate classification (germline): Uncertain significance (1 of 4 stars; one submission).

gnomAD v4.1: 10 of 1,613,880 alleles (0.00062%); highest among the groups gnomAD compares: Admixed American, 0.0033%; no homozygotes.

Submission:

Labcorp Genetics (formerly Invitae), Labcorp
Classification: Uncertain significance. Last evaluated: 2024-11-07. Review status: criteria provided, single submitter. Criteria: Invitae Variant Classification Sherloc (09022015). Collection method: clinical testing. Allele origin: germline.
Comment: This sequence change replaces aspartic acid, which is acidic and polar, with asparagine, which is neutral and polar, at codon 884 of the KL protein (p.Asp884Asn). This variant is present in population databases (no rsID available, gnomAD 0.003%). This variant has not been reported in the literature in individuals affected with KL-related conditions. Invitae Evidence Modeling of protein sequence and biophysical properties (such as structural, functional, and spatial information, amino acid conservation, physicochemical variation, residue mobility, and thermodynamic stability) indicates that this missense variant is expected to disrupt KL protein function with a positive predictive value of 80%. In summary, the available evidence is currently insufficient to determine the role of this variant in disease. Therefore, it has been classified as a Variant of Uncertain Significance.